The following is an entry in ClinVar:

NM_015915.5(ATL1):c.125A>T (p.Asp42Val)

Gene: ATL1 (atlastin GTPase 1; plus strand). Cytogenetic location: 14q22.1.
Variant type: single nucleotide variant.
Coding change: c.125A>T on transcript NM_015915.5 (MANE Select); coding-DNA position 125, A replaced by T.
Protein change: p.Asp42Val; replaces aspartic acid 42 with valine.
Molecular consequence: missense variant.
Genome position (GRCh38, 1-based): chr14:50,587,921, A>T. VCF-style: chr14-50587921-A-T. GRCh37 (hg19) VCF-style: chr14-51054639-A-T.
Other names: c.125A>T, p.Asp42Val (NM_001127713.1, NM_181598.4); short protein forms D42V.
Identifiers: ClinVar variation 1057884 (VCV001057884.9), dbSNP rs2140201784, ClinGen allele CA389665474.

ClinVar aggregate classification (germline): Uncertain significance (1 of 4 stars; one submission).

Conditions:
Hereditary spastic paraplegia 3A (SPG3A). Also called: Spastic paraplegia 3A, autosomal dominant; SPASTIC PARAPLEGIA 3, AUTOSOMAL DOMINANT; FAMILIAL SPASTIC PARAPLEGIA, AUTOSOMAL DOMINANT, 1; SPG3; STRUMPELL DISEASE; Spastic Paraplegia 3A. Identifiers: Orphanet 100984, MedGen C2931355, MONDO:0008437, OMIM 182600.

Submission:

Labcorp Genetics (formerly Invitae), Labcorp
Classification: Uncertain significance for Hereditary spastic paraplegia 3A. Last evaluated: 2021-04-20. Review status: criteria provided, single submitter. Criteria: Invitae Variant Classification Sherloc (09022015). Collection method: clinical testing. Allele origin: germline.
Comment: In summary, the available evidence is currently insufficient to determine the role of this variant in disease. Therefore, it has been classified as a Variant of Uncertain Significance. Algorithms developed to predict the effect of missense changes on protein structure and function are either unavailable or do not agree on the potential impact of this missense change (SIFT: "Deleterious"; PolyPhen-2: "Benign"; Align-GVGD: "Class C35"). This variant has not been reported in the literature in individuals with ATL1-related conditions. This variant is not present in population databases (ExAC no frequency). This sequence change replaces aspartic acid with valine at codon 42 of the ATL1 protein (p.Asp42Val). The aspartic acid residue is highly conserved and there is a large physicochemical difference between aspartic acid and valine.